The following is an entry in ClinVar:

NM_003632.3(CNTNAP1):c.203C>T (p.Pro68Leu)

Gene: CNTNAP1 (contactin associated protein 1; plus strand). Cytogenetic location: 17q21.2.
Variant type: single nucleotide variant.
Coding change: c.203C>T on transcript NM_003632.3 (MANE Select); coding-DNA position 203, C replaced by T.
Protein change: p.Pro68Leu; replaces proline 68 with leucine.
Molecular consequence: missense variant.
Genome position (GRCh38, 1-based): chr17:42,684,069, C>T. VCF-style: chr17-42684069-C-T. GRCh37 (hg19) VCF-style: chr17-40836087-C-T.
Other names: short protein forms P68L.
Identifiers: ClinVar variation 1389757 (VCV001389757.6), dbSNP rs1245544734, ClinGen allele CA399632365.
Genomic context (GRCh38, chr17:42,684,069, plus strand): 5'-CGGTTAAAGCTCCTGTCCTTTCTATAGGCATAAGCGGGTGGTCACCACGGATTGGGGATC[C>T]GAATCCCTGGCTCCAGATAGACTTAATGAAGAAGCACCGGATCCGGGCCGTGGCCACACA-3'
Protein context (NP_003623.1, residues 58-78): ISGWSPRIGD[Pro68Leu]NPWLQIDLMK

ClinVar aggregate classification (germline): Uncertain significance (1 of 4 stars; one submission).

Allele frequency attached by ClinVar (database versions not stated): gnomAD exomes below 0.00001.
gnomAD v4.1: 2 of 1,614,164 alleles (0.00012%); highest among the groups gnomAD compares: East Asian, 0.0022%; no homozygotes.

Submission:

Labcorp Genetics (formerly Invitae), Labcorp
Classification: Uncertain significance. Last evaluated: 2024-06-25. Review status: criteria provided, single submitter. Criteria: Invitae Variant Classification Sherloc (09022015). Collection method: clinical testing. Allele origin: germline.
Comment: This sequence change replaces proline, which is neutral and non-polar, with leucine, which is neutral and non-polar, at codon 68 of the CNTNAP1 protein (p.Pro68Leu). This variant is present in population databases (no rsID available, gnomAD 0.006%). This variant has not been reported in the literature in individuals affected with CNTNAP1-related conditions. ClinVar contains an entry for this variant (Variation ID: 1389757). An algorithm developed to predict the effect of missense changes on protein structure and function (PolyPhen-2) suggests that this variant is likely to be tolerated. In summary, the available evidence is currently insufficient to determine the role of this variant in disease. Therefore, it has been classified as a Variant of Uncertain Significance.